The following is an entry in ClinVar:

ClinVar aggregate classification (germline): Pathogenic. Review status: criteria provided, single submitter (1 of 4 stars). 3 submissions from 3 submitters: Pathogenic (1). 2 of the submissions do not count toward it. Last evaluated 2023-01-25.

Conditions:
Mowat-Wilson syndrome (MOWS). Also called: Classic Mowat-Wilson Syndrome. Identifiers: Orphanet 2152, MedGen C1856113, MONDO:0009341, OMIM 235730.

Submissions (3):

Broad Center for Mendelian Genomics, Broad Institute of MIT and Harvard
Classification: Pathogenic for Mowat-Wilson syndrome. Last evaluated: 2023-01-25. Review status: criteria provided, single submitter. Criteria: ACMG Guidelines, 2015. Collection method: curation. Allele origin: germline. Inheritance: Autosomal dominant inheritance.
Comment: Trio exome analysis showed this variant to be de novo. The p.Phe628LeufsTer18 variant in ZEB2 has been previously reported in 2 unrelated individuals with Mowat Wilson syndrome (PMID: 19842203, PMID: 17203459). The number of reported affected individuals with this variant is slightly greater than expected compared to non-affected individuals with this variant. This variant has also been reported in ClinVar (Variation ID: 189277) and has been interpreted as pathogenic by Children‚Äôs Mercy Hospital and Clinics Molecular Genetics Laboratory and as likely pathogenic by Genomics England. This variant was absent from large population studies. This variant is predicted to cause a frameshift, which alters the protein‚Äôs amino acid sequence beginning at position 628 and leads to a premature termination codon 18 amino acids downstream. This alteration is then predicted to lead to a truncated or absent protein. Heterozygous loss of function of the ZEB2 gene is an established disease mechanism in autosomal dominant Mowat Wilson syndrome. In summary, this variant meets criteria to be classified as pathogenic for Mowat Wilson syndrome. ACMG/AMP Criteria applied: PVS1, PS2_Supporting, PS4_Supporting, PM2_Supporting (Richards 2015).

Molecular Genetics Laboratory, Children's Mercy Hospital and Clinics
Classification: Pathogenic for Mowat-Wilson syndrome. Last evaluated: 2015-03-02. Review status: no assertion criteria provided. Collection method: clinical testing. Allele origin: unknown. Affected: yes. Not counted in ClinVar's aggregate classification.

Genomics England Pilot Project, Genomics England
Classification: Likely pathogenic for Mowat-Wilson syndrome. Review status: no assertion criteria provided. Criteria: ACGS Guidelines, 2016. Collection method: clinical testing. Allele origin: germline. Affected: yes. Not counted in ClinVar's aggregate classification.

NM_014795.4(ZEB2):c.1884del (p.Phe628fs)

Gene: ZEB2 (zinc finger E-box binding homeobox 2; minus strand). Cytogenetic location: 2q22.3.
Variant type: Deletion.
Coding change: c.1884del on transcript NM_014795.4 (MANE Select); coding-DNA position 1884, one base deleted (T; older notation c.1884delT).
Protein change: p.Phe628fs; shifts the reading frame from phenylalanine 628.
Molecular consequence: frameshift variant.
Genome position (GRCh38, 1-based): chr2:144,399,303, A deleted on the plus strand (T on the coding strand, the reverse complement: ZEB2 is on the minus strand); the first of 5 consecutive A bases (chr2:144,399,303-144,399,307); deleting any one gives the same sequence. VCF-style (leftmost placement, unchanged base first): chr2-144399302-CA-C. GRCh37 (hg19) VCF-style: chr2-145156869-CA-C.
Other names: NM_014795.4(ZEB2):c.1884del; p.Phe628fs; c.1812del, p.Phe604fs (NM_001171653.2); short protein forms F604fs, F628fs.
Identifiers: ClinVar variation 189277 (VCV000189277.5), dbSNP rs786204811, ClinGen allele CA274519.